The following is an entry in ClinVar:

ClinVar aggregate classification (germline): Pathogenic (1 of 4 stars; one submission).

Conditions:
Hereditary cancer-predisposing syndrome. Also called: Neoplastic Syndromes, Hereditary; Tumor predisposition; Hereditary Cancer Syndrome; Hereditary neoplastic syndrome. Identifiers: Orphanet 140162, MedGen C0027672, MeSH D009386, MONDO:0015356.

Submission:

Ambry Genetics
Classification: Pathogenic for Hereditary cancer-predisposing syndrome. Last evaluated: 2019-10-23. Review status: criteria provided, single submitter. Criteria: Ambry Variant Classification Scheme 2023. Collection method: clinical testing. Allele origin: germline.
Comment: The c.722delG pathogenic mutation, located in coding exon 2 of the BLM gene, results from a deletion of one nucleotide at nucleotide position 722, causing a translational frameshift with a predicted alternate stop codon (p.G241Afs*8). This alteration is expected to result in loss of function by premature protein truncation or nonsense-mediated mRNA decay. As such, this alteration is interpreted as a disease-causing mutation.

NM_000057.4(BLM):c.722del (p.Gly241fs)

Gene: BLM (BLM RecQ like helicase; plus strand). Cytogenetic location: 15q26.1.
Variant type: Deletion.
Coding change: c.722del on transcript NM_000057.4 (MANE Select); coding-DNA position 722, one base deleted (G; older notation c.722delG).
Protein change: p.Gly241fs; shifts the reading frame from glycine 241.
Molecular consequence: frameshift variant. On other transcripts: 5 prime UTR variant (1).
Genome position (GRCh38, 1-based): chr15:90,749,990, G deleted; the last of 2 consecutive G bases (chr15:90,749,989-90,749,990); deleting either gives the same sequence. VCF-style (leftmost placement, unchanged base first): chr15-90749988-TG-T. GRCh37 (hg19) VCF-style: chr15-91293218-TG-T.
Other names: c.722del, p.Gly241fs (NM_001287246.2, NM_001287247.2); c.-570del (NM_001287248.2); short protein forms G241fs.
Identifiers: ClinVar variation 1757805 (VCV001757805.2), dbSNP rs2505394597, ClinGen allele CA2580090298.